The following is an entry in ClinVar:

NM_000158.4(GBE1):c.70del (p.Asp24fs)

Gene: GBE1 (1,4-alpha-glucan branching enzyme 1; minus strand). Cytogenetic location: 3p12.2.
Variant type: Deletion.
Coding change: c.70del on transcript NM_000158.4 (MANE Select); coding-DNA position 70, one base deleted (G; older notation c.70delG).
Protein change: p.Asp24fs; shifts the reading frame from aspartic acid 24.
Molecular consequence: frameshift variant.
Genome position (GRCh38, 1-based): chr3:81,761,448, C deleted on the plus strand (G on the coding strand, the reverse complement: GBE1 is on the minus strand). VCF-style (leftmost placement, unchanged base first): chr3-81761447-TC-T. GRCh37 (hg19) VCF-style: chr3-81810598-TC-T.
Other names: NM_000158.4(GBE1):c.70del; p.Asp24fs; short protein forms D24fs.
Identifiers: ClinVar variation 972014 (VCV000972014.9), dbSNP rs1407149518, ClinGen allele CA544502801.

ClinVar aggregate classification (germline): Pathogenic/Likely pathogenic. Review status: criteria provided, multiple submitters, no conflicts (2 of 4 stars). 3 submissions from 3 submitters: Pathogenic (1); Likely pathogenic (2). Last evaluated 2024-01-02.

Conditions:
Glycogen storage disease, type IV (GSD4). Also called: AMYLOPECTINOSIS; ANDERSEN DISEASE; BRANCHER DEFICIENCY; CIRRHOSIS, FAMILIAL, WITH DEPOSITION OF ABNORMAL GLYCOGEN; Glycogen storage disease due to glycogen branching enzyme deficiency; GBE1 DEFICIENCY. Identifiers: Orphanet 367, MedGen C0017923, MONDO:0009292, OMIM 232500.
Glycogen storage disease IV, classic hepatic. Also called: GSD IV, CLASSIC HEPATIC. Identifiers: MedGen C1856301.

Allele frequency attached by ClinVar (database versions not stated): gnomAD exomes below 0.00001; TOPMed 0.00002; gnomAD 0.00003 and 0.00004.

Submissions (3):

Baylor Genetics
Classification: Likely pathogenic for Glycogen storage disease, type IV. Last evaluated: 2024-01-02. Review status: criteria provided, single submitter. Criteria: ACMG Guidelines, 2015. Collection method: clinical testing. Allele origin: unknown.

Labcorp Genetics (formerly Invitae), Labcorp
Classification: Pathogenic for Glycogen storage disease, type IV; Glycogen storage disease IV, classic hepatic. Last evaluated: 2023-08-04. Review status: criteria provided, single submitter. Criteria: Invitae Variant Classification Sherloc (09022015). Collection method: clinical testing. Allele origin: germline.
Comment: This sequence change creates a premature translational stop signal (p.Asp24Thrfs*15) in the GBE1 gene. It is expected to result in an absent or disrupted protein product. Loss-of-function variants in GBE1 are known to be pathogenic (PMID: 15452297, 20058079). This variant is present in population databases (no rsID available, gnomAD 0.007%). For these reasons, this variant has been classified as Pathogenic. ClinVar contains an entry for this variant (Variation ID: 972014). This variant has not been reported in the literature in individuals affected with GBE1-related conditions.

Broad Center for Mendelian Genomics, Broad Institute of MIT and Harvard
Classification: Likely pathogenic for Glycogen storage disease, type IV. Last evaluated: 2022-01-27. Review status: criteria provided, single submitter. Criteria: ACMG Guidelines, 2015. Collection method: curation. Allele origin: germline. Inheritance: Autosomal recessive inheritance.
Comment: The p.Asp24fs variant in GBE1 has not been previously reported in the literature in individuals with GBE1-related disorders but has been identified in 0.007% (1/15356) of African/African American chromosomes by the Genome Aggregation Database (gnomAD; dbSNP ID: rs1407149518). Although this variant has been seen in the general population in a heterozygous state, its frequency is low enough to be consistent with a recessive carrier frequency. This variant has also been reported in ClinVar (Variation ID#: 972014) and has been interpreted as pathogenic by Invitae. This variant is predicted to cause a frameshift, which alters the protein’s amino acid sequence beginning at position 24 and leads to a premature termination codon 15 amino acids downstream. This alteration is then predicted to lead to a truncated or absent protein. Loss of function of the GBE1 gene is an established disease mechanism in autosomal recessive GBE1-related disorders. In summary, although additional studies are required to fully establish its clinical significance, this variant is likely pathogenic for autosomal recessive GBE1-related disorders. ACMG/AMP Criteria applied: PVS1, PM2 (Richards 2015).

Literature cited by the submitters: PubMed 15452297 (cited by Labcorp Genetics (formerly Invitae), Labcorp); PubMed 20058079 (cited by Labcorp Genetics (formerly Invitae), Labcorp).